The following is an entry in ClinVar:

NM_001039141.3(TRIOBP):c.1727G>C (p.Arg576Thr)

Gene: TRIOBP (TRIO and F-actin binding protein; plus strand). Cytogenetic location: 22q13.1.
Variant type: single nucleotide variant.
Coding change: c.1727G>C on transcript NM_001039141.3 (MANE Select); coding-DNA position 1727, G replaced by C.
Protein change: p.Arg576Thr; replaces arginine 576 with threonine.
Molecular consequence: missense variant.
Genome position (GRCh38, 1-based): chr22:37,724,283, G>C. VCF-style: chr22-37724283-G-C. GRCh37 (hg19) VCF-style: chr22-38120290-G-C.
Other names: short protein forms R576T.
Identifiers: ClinVar variation 3050637 (VCV003050637.2), dbSNP rs199624486, ClinGen allele CA10223660.

ClinVar aggregate classification (germline): Likely benign (0 of 4 stars; one submission).

Conditions:
TRIOBP-related disorder. Also called: TRIOBP-related condition.

Allele frequency attached by ClinVar (database versions not stated): ExAC 0.00002; gnomAD 0.00005.

Submission:

PreventionGenetics, part of Exact Sciences
Classification: Likely benign for TRIOBP-related condition. Last evaluated: 2019-08-01. Review status: no assertion criteria provided. Collection method: clinical testing. Allele origin: germline.
Comment: This variant is classified as likely benign based on ACMG/AMP sequence variant interpretation guidelines (Richards et al. 2015 PMID: 25741868, with internal and published modifications).